The following is an entry in ClinVar:

NM_002880.4(RAF1):c.217C>T (p.Arg73Ter)

Gene: RAF1 (Raf-1 proto-oncogene, serine/threonine kinase; minus strand). Cytogenetic location: 3p25.2.
Variant type: single nucleotide variant.
Coding change: c.217C>T on transcript NM_002880.4 (MANE Select); coding-DNA position 217, C replaced by T.
Protein change: p.Arg73Ter; replaces arginine 73 with a stop codon.
Molecular consequence: nonsense. On other transcripts: non-coding transcript variant (3), intron variant (4).
Genome position (GRCh38, 1-based): chr3:12,612,053, G>A on the plus strand (C>T on the coding strand, the complement: RAF1 is on the minus strand). VCF-style: chr3-12612053-G-A. GRCh37 (hg19) VCF-style: chr3-12653552-G-A.
Other names: c.217C>T, p.Arg73Ter (NM_001354689.3, NM_001354690.3, NM_001354693.3); c.78-2718C>T (NM_001354695.3, NM_001354692.3, NM_001354694.3 and 1 more transcripts); short protein forms R73*.
Identifiers: ClinVar variation 5027853 (VCV005027853.1).

ClinVar aggregate classification (germline): Uncertain significance (1 of 4 stars; one submission).

Conditions:
Cardiovascular phenotype. Identifiers: MedGen CN230736.

Submission:

Ambry Genetics
Classification: Uncertain significance for Cardiovascular phenotype. Last evaluated: 2026-07-16. Review status: criteria provided, single submitter. Criteria: Ambry Variant Classification Scheme 2023. Collection method: clinical testing. Allele origin: germline.
Comment: The p.R73* variant (also known as c.217C>T), located in coding exon 2 of the RAF1 gene, results from a C to T substitution at nucleotide position 217. This changes the amino acid from an arginine to a stop codon within coding exon 2. This variant was reported in individual(s) with features consistent with dilated cardiomyopathy (DCM) (Mazzarotto F et al. Circulation, 2020 Feb;141:387-398). This variant is expected to result in protein truncation or nonsense-mediated mRNA decay. However, loss of function has not been established as a mechanism of disease. Based on the available evidence, the clinical significance of this variant remains unclear.

Literature cited by the submitters: PubMed 31983221.